The following is an entry in ClinVar:

NM_152672.6(SLC51A):c.747G>A (p.Glu249=)

Gene: SLC51A (solute carrier family 51 member A; plus strand). Cytogenetic location: 3q29.
Variant type: single nucleotide variant.
Coding change: c.747G>A on transcript NM_152672.6 (MANE Select); coding-DNA position 747, G replaced by A.
Protein change: p.Glu249=; no amino-acid change (glutamic acid 249 retained).
Molecular consequence: synonymous variant.
Genome position (GRCh38, 1-based): chr3:196,230,028, G>A. VCF-style: chr3-196230028-G-A. GRCh37 (hg19) VCF-style: chr3-195956899-G-A.
Identifiers: ClinVar variation 5000387 (VCV005000387.1).

ClinVar aggregate classification (germline): Likely benign (1 of 4 stars; one submission).

Conditions:
SLC51A-related disorder. Also called: SLC51A-related condition.

Submission:

PreventionGenetics, part of Exact Sciences
Classification: Likely benign for SLC51A-related condition. Last evaluated: 2025-04-09. Review status: criteria provided, single submitter. Criteria: ACMG Guidelines, 2015. Collection method: clinical testing. Allele origin: germline.
Comment: This variant is classified as likely benign based on ACMG/AMP sequence variant interpretation guidelines (Richards et al. 2015 PMID: 25741868, with internal and published modifications).